The following is an entry in ClinVar:

NM_000051.4(ATM):c.3421C>G (p.Pro1141Ala)

Gene: ATM (ATM serine/threonine kinase; plus strand). Cytogenetic location: 11q22.3.
Variant type: single nucleotide variant.
Coding change: c.3421C>G on transcript NM_000051.4 (MANE Select); coding-DNA position 3421, C replaced by G.
Protein change: p.Pro1141Ala; replaces proline 1141 with alanine.
Molecular consequence: missense variant.
Genome position (GRCh38, 1-based): chr11:108,281,013, C>G. VCF-style: chr11-108281013-C-G. GRCh37 (hg19) VCF-style: chr11-108151740-C-G.
Other names: c.3421C>G, p.Pro1141Ala (NM_001351834.2); short protein forms P1141A.
Identifiers: ClinVar variation 2853148 (VCV002853148.3), dbSNP rs2135665689, ClinGen allele CA382518992.

ClinVar aggregate classification (germline): Uncertain significance (1 of 4 stars; one submission).

Conditions:
Ataxia-telangiectasia syndrome (AT). Also called: LOUIS-BAR SYNDROME; Cerebello-oculocutaneous telangiectasia; Immunodeficiency with ataxia telangiectasia; Ataxia telangiectasia (A-T); ATAXIA-TELANGIECTASIA, COMPLEMENTATION GROUP A; ATAXIA-TELANGIECTASIA, FRESNO VARIANT. Identifiers: Orphanet 100, MedGen C0004135, MONDO:0008840, OMIM 208900.

Submission:

Labcorp Genetics (formerly Invitae), Labcorp
Classification: Uncertain significance for Ataxia-telangiectasia syndrome. Last evaluated: 2023-04-07. Review status: criteria provided, single submitter. Criteria: Invitae Variant Classification Sherloc (09022015). Collection method: clinical testing. Allele origin: germline.
Comment: In summary, the available evidence is currently insufficient to determine the role of this variant in disease. Therefore, it has been classified as a Variant of Uncertain Significance. Algorithms developed to predict the effect of missense changes on protein structure and function output the following: SIFT: "Not Available"; PolyPhen-2: "Benign"; Align-GVGD: "Not Available". The alanine amino acid residue is found in multiple mammalian species, which suggests that this missense change does not adversely affect protein function. This variant has not been reported in the literature in individuals affected with ATM-related conditions. This variant is not present in population databases (gnomAD no frequency). This sequence change replaces proline, which is neutral and non-polar, with alanine, which is neutral and non-polar, at codon 1141 of the ATM protein (p.Pro1141Ala).